The following is an entry in ClinVar:

ClinVar aggregate classification (germline): Uncertain significance. Review status: criteria provided, multiple submitters, no conflicts (2 of 4 stars). 3 submissions from 3 submitters: Uncertain significance (3). Last evaluated 2026-03-02.

Conditions:
PRSS1-related disorder. Also called: PRSS1-related condition.
Hereditary pancreatitis (PCTT). Also called: Hereditary chronic pancreatitis; PRSS1-Related Hereditary Pancreatitis. Identifiers: Orphanet 676, MedGen C0238339, MONDO:0008185, OMIM 167800.

Allele frequency attached by ClinVar (database versions not stated): ExAC 0.00001.

Submissions (3):

Ambry Genetics
Classification: Uncertain significance for Hereditary pancreatitis. Last evaluated: 2026-03-02. Review status: criteria provided, single submitter. Criteria: Ambry Variant Classification Scheme 2023. Collection method: clinical testing. Allele origin: germline.
Comment: The p.Y175H variant (also known as c.523T>C), located in coding exon 4 of the PRSS1 gene, results from a T to C substitution at nucleotide position 523. The tyrosine at codon 175 is replaced by histidine, an amino acid with similar properties. This amino acid position is highly conserved in available vertebrate species. In addition, this alteration is predicted to be deleterious by in silico analysis. Based on the available evidence, the clinical significance of this variant remains unclear.

PreventionGenetics, part of Exact Sciences
Classification: Uncertain significance for PRSS1-related condition. Last evaluated: 2025-12-11. Review status: criteria provided, single submitter. Criteria: ACMG Guidelines, 2015. Collection method: clinical testing. Allele origin: germline.
Comment: The PRSS1 c.523T>C variant is predicted to result in the amino acid substitution p.Tyr175His. To our knowledge, this variant has not been reported in the literature. This variant is reported in 0.0062% of alleles in individuals of African descent in gnomAD. At this time, the clinical significance of this variant is uncertain due to the absence of conclusive functional and genetic evidence.

Labcorp Genetics (formerly Invitae), Labcorp
Classification: Uncertain significance for Hereditary pancreatitis. Last evaluated: 2022-02-02. Review status: criteria provided, single submitter. Criteria: Invitae Variant Classification Sherloc (09022015). Collection method: clinical testing. Allele origin: germline.
Comment: In summary, the available evidence is currently insufficient to determine the role of this variant in disease. Therefore, it has been classified as a Variant of Uncertain Significance. Algorithms developed to predict the effect of missense changes on protein structure and function (SIFT, PolyPhen-2, Align-GVGD) all suggest that this variant is likely to be disruptive. This variant has not been reported in the literature in individuals affected with PRSS1-related conditions. The frequency data for this variant in the population databases is considered unreliable, as metrics indicate poor data quality at this position in the gnomAD database. This sequence change replaces tyrosine, which is neutral and polar, with histidine, which is basic and polar, at codon 175 of the PRSS1 protein (p.Tyr175His).

NM_002769.5(PRSS1):c.523T>C (p.Tyr175His)

Genes: PRSS1 (serine protease 1; plus strand), TRB (T cell receptor beta locus; plus strand). Cytogenetic location: 7q34.
Variant type: single nucleotide variant.
Coding change: c.523T>C on transcript NM_002769.5 (MANE Select); coding-DNA position 523, T replaced by C.
Protein change: p.Tyr175His; replaces tyrosine 175 with histidine.
Molecular consequence: missense variant. On other transcripts: non-coding transcript variant (5).
Genome position (GRCh38, 1-based): chr7:142,752,499, T>C. VCF-style: chr7-142752499-T-C. GRCh37 (hg19) VCF-style: chr7-142460350-T-C.
Other names: c.523T>C (NM_002769.4); short protein forms Y175H.
Identifiers: ClinVar variation 2041426 (VCV002041426.6), dbSNP rs756821075, ClinGen allele CA4530050.